The following is an entry in ClinVar:

NM_001042492.3(NF1):c.3677C>G (p.Ala1226Gly)

Gene: NF1 (neurofibromin 1; plus strand). Cytogenetic location: 17q11.2.
Variant type: single nucleotide variant.
Coding change: c.3677C>G on transcript NM_001042492.3 (MANE Select); coding-DNA position 3677, C replaced by G.
Protein change: p.Ala1226Gly; replaces alanine 1226 with glycine.
Molecular consequence: missense variant.
Genome position (GRCh38, 1-based): chr17:31,233,182, C>G. VCF-style: chr17-31233182-C-G. GRCh37 (hg19) VCF-style: chr17-29560200-C-G.
Other names: c.3677C>G, p.Ala1226Gly (NM_000267.4); short protein forms A1226G.
Identifiers: ClinVar variation 3634537 (VCV003634537.2).

ClinVar aggregate classification (germline): Uncertain significance (1 of 4 stars; one submission).

Conditions:
Neurofibromatosis, type 1 (NF1). Also called: VON RECKLINGHAUSEN DISEASE; Peripheral type neurofibromatosis; NEUROFIBROMATOSIS, TYPE I, SOMATIC; Neurofibromatosis, type I. Identifiers: Orphanet 636, MedGen C0027831, MONDO:0018975, OMIM 162200. Disease mechanism: loss of function.

Submission:

Labcorp Genetics (formerly Invitae), Labcorp
Classification: Uncertain significance for Neurofibromatosis, type 1. Last evaluated: 2024-09-21. Review status: criteria provided, single submitter. Criteria: Invitae Variant Classification Sherloc (09022015). Collection method: clinical testing. Allele origin: germline.
Comment: This sequence change replaces alanine, which is neutral and non-polar, with glycine, which is neutral and non-polar, at codon 1226 of the NF1 protein (p.Ala1226Gly). This variant is not present in population databases (gnomAD no frequency). This variant has not been reported in the literature in individuals affected with NF1-related conditions. Invitae Evidence Modeling of protein sequence and biophysical properties (such as structural, functional, and spatial information, amino acid conservation, physicochemical variation, residue mobility, and thermodynamic stability) indicates that this missense variant is expected to disrupt NF1 protein function with a positive predictive value of 95%. In summary, the available evidence is currently insufficient to determine the role of this variant in disease. Therefore, it has been classified as a Variant of Uncertain Significance.